The following is an entry in ClinVar:

ClinVar aggregate classification (germline): Uncertain significance. Review status: criteria provided, multiple submitters, no conflicts (2 of 4 stars). 3 submissions from 3 submitters: Uncertain significance (3). Last evaluated 2025-05-19.

Conditions:
Cerebroretinal microangiopathy with calcifications and cysts 1 (CRMCC1). Identifiers: Orphanet 313838, MedGen C4552029, MONDO:0024564, OMIM 612199.
CTC1-related disorder. Also called: CTC1-related condition.
Inborn genetic diseases. Identifiers: MedGen C0950123, MeSH D030342.

Allele frequency attached by ClinVar (database versions not stated): ExAC 0.00001; gnomAD 0.00001; TOPMed 0.00002.
gnomAD v4.1: 41 of 1,614,062 alleles (0.0025%); highest among the groups gnomAD compares: Non-Finnish European, 0.0033%; no homozygotes.

Submissions (3):

ARUP Laboratories, Molecular Genetics and Genomics, ARUP Laboratories
Classification: Uncertain significance for Cerebroretinal microangiopathy with calcifications and cysts 1. Last evaluated: 2025-05-19. Review status: criteria provided, single submitter. Criteria: ARUP Molecular Germline Variant Investigation Process 2024. Collection method: clinical testing. Allele origin: germline.
Comment: The CTC1 c.991C>A; p.Pro331Thr variant (rs750746817), to our knowledge, is not reported in the medical literature but is reported in ClinVar (Variation ID: 2631230). This variant is only observed on four alleles in the Genome Aggregation Database (v2.1.1), indicating it is not a common polymorphism. Computational analyses predict that this variant is neutral (REVEL: 0.136). Due to limited information, the clinical significance of this variant is uncertain at this time.

Ambry Genetics
Classification: Uncertain significance for Inborn genetic diseases. Last evaluated: 2025-02-09. Review status: criteria provided, single submitter. Criteria: Ambry Variant Classification Scheme 2023. Collection method: clinical testing. Allele origin: germline.

PreventionGenetics, part of Exact Sciences
Classification: Uncertain significance for CTC1-related condition. Last evaluated: 2023-08-10. Review status: criteria provided, single submitter. Criteria: ACMG Guidelines, 2015. Collection method: clinical testing. Allele origin: germline.
Comment: The CTC1 c.991C>A variant is predicted to result in the amino acid substitution p.Pro331Thr. To our knowledge, this variant has not been reported in the literature. This variant is reported in 0.0031% of alleles in individuals of European (Non-Finnish) descent in gnomAD. At this time, the clinical significance of this variant is uncertain due to the absence of conclusive functional and genetic evidence.

NM_025099.6(CTC1):c.991C>A (p.Pro331Thr)

Gene: CTC1 (CST telomere replication complex component 1; minus strand). Cytogenetic location: 17p13.1.
Variant type: single nucleotide variant.
Coding change: c.991C>A on transcript NM_025099.6 (MANE Select); coding-DNA position 991, C replaced by A.
Protein change: p.Pro331Thr; replaces proline 331 with threonine.
Molecular consequence: missense variant. On other transcripts: non-coding transcript variant (1).
Genome position (GRCh38, 1-based): chr17:8,236,144, G>T on the plus strand (C>A on the coding strand, the complement: CTC1 is on the minus strand). VCF-style: chr17-8236144-G-T. GRCh37 (hg19) VCF-style: chr17-8139462-G-T.
Other names: c.991C>A, p.Pro331Thr (NM_001411067.1); short protein forms P331T.
Identifiers: ClinVar variation 2631230 (VCV002631230.3), dbSNP rs750746817, ClinGen allele CA8372509.